The following is an entry in ClinVar:

NM_017849.4(TMEM127):c.34G>C (p.Gly12Arg)

Genes: TMEM127 (transmembrane protein 127; minus strand), LOC129934333 (ATAC-STARR-seq lymphoblastoid silent region 11759; plus strand). Cytogenetic location: 2q11.2.
Variant type: single nucleotide variant.
Coding change: c.34G>C on transcript NM_017849.4 (MANE Select); coding-DNA position 34, G replaced by C.
Protein change: p.Gly12Arg; replaces glycine 12 with arginine.
Molecular consequence: missense variant. On other transcripts: intron variant (1).
Genome position (GRCh38, 1-based): chr2:96,265,348, C>G on the plus strand (G>C on the coding strand, the complement: TMEM127 is on the minus strand). VCF-style: chr2-96265348-C-G. GRCh37 (hg19) VCF-style: chr2-96931086-C-G.
Other names: c.34G>C, p.Gly12Arg (NM_001193304.3); c.-9+521G>C (NM_001407283.1); short protein forms G12R.
Identifiers: ClinVar variation 5030906 (VCV005030906.1).

ClinVar aggregate classification (germline): Uncertain significance (1 of 4 stars; one submission).

Conditions:
Hereditary cancer-predisposing syndrome. Also called: Neoplastic Syndromes, Hereditary; Tumor predisposition; Hereditary neoplastic syndrome; Hereditary Cancer Syndrome. Identifiers: Orphanet 140162, MedGen C0027672, MeSH D009386, MONDO:0015356.

Submission:

Ambry Genetics
Classification: Uncertain significance for Hereditary cancer-predisposing syndrome. Last evaluated: 2026-07-06. Review status: criteria provided, single submitter. Criteria: Ambry Variant Classification Scheme 2023. Collection method: clinical testing. Allele origin: germline.
Comment: The p.G12R variant (also known as c.34G>C), located in coding exon 1 of the TMEM127 gene, results from a G to C substitution at nucleotide position 34. The glycine at codon 12 is replaced by arginine, an amino acid with dissimilar properties. This amino acid position is conserved. In addition, the in silico prediction for this alteration is inconclusive. Based on the available evidence, the clinical significance of this variant remains unclear.